The following is an entry in ClinVar:

ClinVar aggregate classification (germline): Pathogenic/Likely pathogenic. Review status: criteria provided, multiple submitters, no conflicts (2 of 4 stars). 8 submissions from 8 submitters: Pathogenic (3); Likely pathogenic (1). 4 of the submissions do not count toward it. Last evaluated 2025-01-15.

Conditions:
EHMT1-related disorder. Also called: EHMT1-related condition.
Kleefstra syndrome 1 (KLEFS1). Identifiers: Orphanet 261494, MedGen C0795833, MONDO:0027407, OMIM 610253.

Submissions (8):

PreventionGenetics, part of Exact Sciences
Classification: Pathogenic for EHMT1-related condition. Last evaluated: 2025-01-15. Review status: criteria provided, single submitter. Criteria: ACMG Guidelines, 2015. Collection method: clinical testing. Allele origin: germline.
Comment: The EHMT1 c.3502C>T variant is predicted to result in premature protein termination (p.Arg1168*). This variant has been reported in individuals with Kleefstra or EHMT1-related neurodevelopmental disorder (described as p.Arg1137Term in Kleefstra et al. 2006. PubMed ID: 16826528; Lassmann et al. 2020. PubMed ID: 33303739; Table 1, Levy et al. 2022. PubMed ID: 35904121). This variant has not been reported in a large population database (gnomAD), indicating this variant is rare. Nonsense variants in EHMT1 are expected to be pathogenic. This variant is interpreted as pathogenic.

Institute of Human Genetics, University of Leipzig Medical Center
Classification: Likely pathogenic for Kleefstra syndrome 1. Last evaluated: 2019-02-21. Review status: criteria provided, single submitter. Criteria: ACMG Guidelines, 2015. Collection method: clinical testing. Allele origin: germline. Affected: yes. Observed: 1 variant allele.

Juno Genomics, Hangzhou Juno Genomics, Inc
Classification: Pathogenic for Kleefstra syndrome 1. Review status: criteria provided, single submitter. Criteria: ACMG Guidelines, 2015. Collection method: clinical testing. Allele origin: germline. Affected: yes.
Comment: Absent from controls (or at extremely low frequency if recessive) in Genome Aggregation Database.;Null variant in a gene where loss of function (LOF) is a known mechanism of disease.;The prevalence of the variant in affected individuals is significantly increased compared to the prevalence in controls.;Assumed de novo, but without confirmation of paternity and maternity.

Laboratory of Genetics, Children's Clinical University Hospital Latvia
Classification: Pathogenic for Kleefstra syndrome 1. Review status: criteria provided, single submitter. Criteria: ACMG Guidelines, 2015. Collection method: curation. Allele origin: de novo. Affected: yes.
Comment: de novo

OMIM
Classification: Pathogenic for KLEEFSTRA SYNDROME 1. Last evaluated: 2006-08-01. Review status: no assertion criteria provided. Collection method: literature only. Allele origin: germline. Not counted in ClinVar's aggregate classification.

GeneReviews
No classification provided. Condition: Kleefstra syndrome 1. Review status: no classification provided. Collection method: literature only. Allele origin: unknown. Not counted in ClinVar's aggregate classification.

Genome Diagnostics Laboratory, Amsterdam University Medical Center
Classification: Pathogenic. Review status: no assertion criteria provided. Collection method: clinical testing. Allele origin: germline. Affected: yes. Study: VKGL Data-share Consensus. Not counted in ClinVar's aggregate classification.

Joint Genome Diagnostic Labs from Nijmegen and Maastricht, Radboudumc and MUMC+
Classification: Pathogenic. Review status: no assertion criteria provided. Collection method: clinical testing. Allele origin: germline. Affected: yes. Study: VKGL Data-share Consensus. Not counted in ClinVar's aggregate classification.

Literature cited by the submitters: PubMed 39013458 (cited by Laboratory of Genetics, Children's Clinical University Hospital Latvia); PubMed 16826528 (cited by OMIM and GeneReviews); PubMed 20945554 (cited by GeneReviews); NCBI Bookshelf NBK47079 (cited by GeneReviews).

NM_024757.5(EHMT1):c.3502C>T (p.Arg1168Ter)

Gene: EHMT1 (euchromatic histone lysine methyltransferase 1; plus strand). Cytogenetic location: 9q34.3.
Variant type: single nucleotide variant.
Coding change: c.3502C>T on transcript NM_024757.5 (MANE Select); coding-DNA position 3502, C replaced by T.
Protein change: p.Arg1168Ter; replaces arginine 1168 with a stop codon.
Molecular consequence: nonsense.
Genome position (GRCh38, 1-based): chr9:137,818,100, C>T. VCF-style: chr9-137818100-C-T. GRCh37 (hg19) VCF-style: chr9-140712552-C-T.
Other names: R1137*; c.3481C>T, p.Arg1161Ter (NM_001354263.2); short protein forms R1168*, R1161*.
Identifiers: ClinVar variation 3605 (VCV000003605.10), dbSNP rs121918301, ClinGen allele CA340098.
Genomic context (GRCh38, chr9:137,818,100, plus strand): 5'-CTGCACCGCACCCTCTGCAGGTATGTTGGGGAGCTGATTTCAGACTCAGAAGCCGACGTT[C>T]GAGAGGAAGATTCTTACCTCTTTGATCTCGACAATAAGGTAATGTGTTTTGTGGGGTTGG-3'